The following is an entry in ClinVar:

NM_017999.5(RNF31):c.212C>A (p.Thr71Asn)

Gene: RNF31 (ring finger protein 31; plus strand). Cytogenetic location: 14q12.
Variant type: single nucleotide variant.
Coding change: c.212C>A on transcript NM_017999.5 (MANE Select); coding-DNA position 212, C replaced by A.
Protein change: p.Thr71Asn; replaces threonine 71 with asparagine.
Molecular consequence: missense variant. On other transcripts: 5 prime UTR variant (1).
Genome position (GRCh38, 1-based): chr14:24,147,995, C>A. VCF-style: chr14-24147995-C-A. GRCh37 (hg19) VCF-style: chr14-24617204-C-A.
Other names: c.-306C>A (NM_001310332.2); short protein forms T71N.
Identifiers: ClinVar variation 2109563 (VCV002109563.4), dbSNP rs2501990543, ClinGen allele CA389285169.

ClinVar aggregate classification (germline): Uncertain significance (1 of 4 stars; one submission).

gnomAD v4.1: 2 of 1,613,792 alleles (0.00012%); highest among the groups gnomAD compares: Non-Finnish European, 0.00017%; no homozygotes.

Submission:

Labcorp Genetics (formerly Invitae), Labcorp
Classification: Uncertain significance. Last evaluated: 2022-03-12. Review status: criteria provided, single submitter. Criteria: Invitae Variant Classification Sherloc (09022015). Collection method: clinical testing. Allele origin: germline.
Comment: This variant is not present in population databases (gnomAD no frequency). In summary, the available evidence is currently insufficient to determine the role of this variant in disease. Therefore, it has been classified as a Variant of Uncertain Significance. Algorithms developed to predict the effect of missense changes on protein structure and function output the following: SIFT: "Tolerated"; PolyPhen-2: "Benign"; Align-GVGD: "Class C0". The asparagine amino acid residue is found in multiple mammalian species, which suggests that this missense change does not adversely affect protein function. This variant has not been reported in the literature in individuals affected with RNF31-related conditions. This sequence change replaces threonine, which is neutral and polar, with asparagine, which is neutral and polar, at codon 71 of the RNF31 protein (p.Thr71Asn).